The following is an entry in ClinVar:

ClinVar aggregate classification (germline): Uncertain significance (1 of 4 stars; one submission).

gnomAD v4.1: 16 of 1,614,044 alleles (0.00099%); highest among the groups gnomAD compares: Admixed American, 0.0017%; no homozygotes.

Submission:

Women's Health and Genetics/Laboratory Corporation of America, LabCorp
Classification: Uncertain significance. Last evaluated: 2025-06-30. Review status: criteria provided, single submitter. Criteria: LabCorp Variant Classification Summary - May 2015. Collection method: clinical testing. Allele origin: germline.
Comment: Variant summary: THRB c.625G>A (p.Gly209Arg) results in a non-conservative amino acid change in the encoded protein sequence. Algorithms developed to predict the effect of missense changes on protein structure and function are either unavailable or do not agree on the potential impact of this missense change. The variant allele was found at a frequency of 1.2e-05 in 251188 control chromosomes (gnomAD). The available data on variant occurrences in the general population are insufficient to allow any conclusion about variant significance. To our knowledge, no occurrence of c.625G>A in individuals affected with Thyroid Hormone Resistance, Generalized, Autosomal Dominant and no experimental evidence demonstrating its impact on protein function have been reported. No submitters have cited clinical-significance assessments for this variant to ClinVar. Based on the evidence outlined above, the variant was classified as uncertain significance.

NM_001354712.2(THRB):c.625G>A (p.Gly209Arg)

Genes: THRB (thyroid hormone receptor beta; minus strand), LOC126806630 (CDK7 strongly-dependent group 2 enhancer GRCh37_chr3:24184437-24185636; plus strand). Cytogenetic location: 3p24.2.
Variant type: single nucleotide variant.
Coding change: c.625G>A on transcript NM_001354712.2 (MANE Select); coding-DNA position 625, G replaced by A.
Protein change: p.Gly209Arg; replaces glycine 209 with arginine.
Molecular consequence: missense variant.
Genome position (GRCh38, 1-based): chr3:24,143,614, C>T on the plus strand (G>A on the coding strand, the complement: THRB is on the minus strand). VCF-style: chr3-24143614-C-T. GRCh37 (hg19) VCF-style: chr3-24185105-C-T.
Other names: c.625G>A, p.Gly209Arg (NM_000461.5, NM_001128176.3, NM_001128177.2 and 12 more transcripts); c.532G>A, p.Gly178Arg (NM_001354714.2, NM_001354715.2); short protein forms G178R, G209R.
Identifiers: ClinVar variation 3907604 (VCV003907604.1).